The following is an entry in ClinVar:

ClinVar aggregate classification (germline): Uncertain significance. Review status: criteria provided, multiple submitters, no conflicts (2 of 4 stars). 3 submissions from 3 submitters: Uncertain significance (3). Last evaluated 2025-11-05.

Conditions:
Inborn genetic diseases. Identifiers: MedGen C0950123, MeSH D030342.

Allele frequency attached by ClinVar (database versions not stated): gnomAD exomes 0.00004 and 0.00008; ExAC 0.00011; TOPMed 0.00019; ESP Exome Variant Server 0.00038; 1000 Genomes Project 0.00040; 1000 Genomes Project 30x 0.00047; gnomAD 0.00016 and 0.00018.
gnomAD v4.1: 70 of 1,351,884 alleles (0.0052%); highest among the groups gnomAD compares: African/African-American, 0.033%; 1 homozygote.

Submissions (3):

Labcorp Genetics (formerly Invitae), Labcorp
Classification: Uncertain significance. Last evaluated: 2025-11-05. Review status: criteria provided, single submitter. Criteria: Invitae Variant Classification Sherloc (09022015). Collection method: clinical testing. Allele origin: germline.
Comment: This sequence change replaces glycine, which is neutral and non-polar, with serine, which is neutral and polar, at codon 358 of the GATA5 protein (p.Gly358Ser). This variant is present in population databases (rs146484782, gnomAD 0.03%). This variant has not been reported in the literature in individuals affected with GATA5-related conditions. ClinVar contains an entry for this variant (Variation ID: 985833). Invitae Evidence Modeling of protein sequence and biophysical properties (such as structural, functional, and spatial information, amino acid conservation, physicochemical variation, residue mobility, and thermodynamic stability) indicates that this missense variant is not expected to disrupt GATA5 protein function with a negative predictive value of 80%. In summary, the available evidence is currently insufficient to determine the role of this variant in disease. Therefore, it has been classified as a Variant of Uncertain Significance.

GeneDx
Classification: Uncertain significance. Last evaluated: 2022-01-21. Review status: criteria provided, single submitter. Criteria: GeneDx Variant Classification Process June 2021. Collection method: clinical testing. Allele origin: germline. Affected: yes.
Comment: Has not been previously published as pathogenic or benign to our knowledge; In silico analysis supports that this missense variant does not alter protein structure/function; Reported in ClinVar as a variant of uncertain significance (ClinVar Variant ID# 985833)

Ambry Genetics
Classification: Uncertain significance for Inborn genetic diseases. Last evaluated: 2019-03-05. Review status: criteria provided, single submitter. Criteria: Ambry exome assertion method (8-5-2015). Collection method: clinical testing. Allele origin: germline. Affected: yes. Observed: 1 variant allele.

NM_080473.5(GATA5):c.1072G>A (p.Gly358Ser)

Gene: GATA5 (GATA binding protein 5; minus strand). Cytogenetic location: 20q13.33.
Variant type: single nucleotide variant.
Coding change: c.1072G>A on transcript NM_080473.5 (MANE Select); coding-DNA position 1072, G replaced by A.
Protein change: p.Gly358Ser; replaces glycine 358 with serine.
Molecular consequence: missense variant.
Genome position (GRCh38, 1-based): chr20:62,464,958, C>T on the plus strand (G>A on the coding strand, the complement: GATA5 is on the minus strand). VCF-style: chr20-62464958-C-T. GRCh37 (hg19) VCF-style: chr20-61040014-C-T.
Other names: short protein forms G358S.
Identifiers: ClinVar variation 985833 (VCV000985833.10), dbSNP rs146484782, ClinGen allele CA9946042.